The following is an entry in ClinVar:

ClinVar aggregate classification (germline): Uncertain significance (1 of 4 stars; one submission).

Conditions:
WDFY3-related disorder.

gnomAD v4.1: 1 of 1,599,462 alleles (0.000063%); no homozygotes.

Submission:

PreventionGenetics, part of Exact Sciences
Classification: Uncertain significance for WDFY3-related condition. Last evaluated: 2026-03-27. Review status: criteria provided, single submitter. Criteria: ACMG Guidelines, 2015. Collection method: clinical testing. Allele origin: germline.
Comment: The WDFY3 c.7272+1G>C variant is predicted to disrupt the GT donor site and interfere with normal splicing. This variant is predicted to disrupt the donor splice site of exon 45; however, skipping of this exon is not predicted to disrupt the reading frame. To our knowledge, this variant has not been reported in the literature or in a large population database (gnomAD), indicating this variant is rare. Although we suspect that this variant may be pathogenic, at this time, the clinical significance of this variant is uncertain due to the absence of conclusive functional and genetic evidence.

NM_014991.6(WDFY3):c.7272+1G>C

Gene: WDFY3 (WD repeat and FYVE domain containing 3; minus strand). Cytogenetic location: 4q21.23.
Variant type: single nucleotide variant.
Coding change: c.7272+1G>C on transcript NM_014991.6 (MANE Select); the canonical splice donor site of the intron after coding-DNA position 7272, G replaced by C.
Molecular consequence: splice donor variant.
Genome position (GRCh38, 1-based): chr4:84,726,860, C>G on the plus strand (G>C on the coding strand, the complement: WDFY3 is on the minus strand). VCF-style: chr4-84726860-C-G. GRCh37 (hg19) VCF-style: chr4-85648013-C-G.
Identifiers: ClinVar variation 4984219 (VCV004984219.1).
Genomic context (GRCh38, chr4:84,726,860, plus strand): 5'-CAGAAAACAAAAAACAAAACTACAAGTAGTTTACATTCTTTTACTGTAATTTGTGTTTTA[C>G]CTTTTGAGGAATATCATCGGGTGTCTCAGGCTGTTTACTTGGGATCTCAGACTGAAAACA-3'